The following is an entry in ClinVar:

NM_000052.7(ATP7A):c.3377T>C (p.Ile1126Thr)

Gene: ATP7A (ATPase copper transporting alpha; plus strand). Cytogenetic location: Xq21.1.
Variant type: single nucleotide variant.
Coding change: c.3377T>C on transcript NM_000052.7 (MANE Select); coding-DNA position 3377, T replaced by C.
Protein change: p.Ile1126Thr; replaces isoleucine 1126 with threonine.
Molecular consequence: missense variant. On other transcripts: non-coding transcript variant (1).
Genome position (GRCh38, 1-based): chrX:78,033,687, T>C. VCF-style: chrX-78033687-T-C. GRCh37 (hg19) VCF-style: chrX-77289185-T-C.
Other names: c.3143T>C, p.Ile1048Thr (NM_001282224.2); short protein forms I1048T, I1126T.
Identifiers: ClinVar variation 3749365 (VCV003749365.2).

ClinVar aggregate classification (germline): Uncertain significance (1 of 4 stars; one submission).

Conditions:
Menkes kinky-hair syndrome (MNK). Also called: Copper transport disease; Menkes Disease; Classic Menkes Disease. Identifiers: Orphanet 565, MedGen C0022716, MONDO:0010651, OMIM 309400.
X-linked distal spinal muscular atrophy type 3. Also called: ATP7A-Related Distal Motor Neuropathy; SPINAL MUSCULAR ATROPHY, DISTAL, X-LINKED RECESSIVE; NEURONOPATHY, DISTAL HEREDITARY MOTOR, X-LINKED; NEUROPATHY, DISTAL HEREDITARY MOTOR, X-LINKED. Identifiers: Orphanet 139557, MedGen C1845359, MONDO:0010338, OMIM 300489.
Cutis laxa, X-linked (OHS). Also called: EDS IX; Occipital horn syndrome. Identifiers: Orphanet 198, MedGen C0268353, MONDO:0010572, OMIM 304150.

gnomAD v4.1: 2 of 1,210,794 alleles (0.00017%); highest among the groups gnomAD compares: Non-Finnish European, 0.00022%; no homozygotes.

Submission:

Labcorp Genetics (formerly Invitae), Labcorp
Classification: Uncertain significance for X-linked distal spinal muscular atrophy type 3; Cutis laxa, X-linked; Menkes kinky-hair syndrome. Last evaluated: 2024-09-29. Review status: criteria provided, single submitter. Criteria: Invitae Variant Classification Sherloc (09022015). Collection method: clinical testing. Allele origin: germline.
Comment: This sequence change replaces isoleucine, which is neutral and non-polar, with threonine, which is neutral and polar, at codon 1126 of the ATP7A protein (p.Ile1126Thr). This variant is not present in population databases (gnomAD no frequency). This variant has not been reported in the literature in individuals affected with ATP7A-related conditions. Invitae Evidence Modeling of protein sequence and biophysical properties (such as structural, functional, and spatial information, amino acid conservation, physicochemical variation, residue mobility, and thermodynamic stability) indicates that this missense variant is not expected to disrupt ATP7A protein function with a negative predictive value of 95%. In summary, the available evidence is currently insufficient to determine the role of this variant in disease. Therefore, it has been classified as a Variant of Uncertain Significance.